The following is an entry in ClinVar:

NM_000392.5(ABCC2):c.1315C>T (p.His439Tyr)

Gene: ABCC2 (ATP binding cassette subfamily C member 2; plus strand). Cytogenetic location: 10q24.2.
Variant type: single nucleotide variant.
Coding change: c.1315C>T on transcript NM_000392.5 (MANE Select); coding-DNA position 1315, C replaced by T.
Protein change: p.His439Tyr; replaces histidine 439 with tyrosine.
Molecular consequence: missense variant.
Genome position (GRCh38, 1-based): chr10:99,804,124, C>T. VCF-style: chr10-99804124-C-T. GRCh37 (hg19) VCF-style: chr10-101563881-C-T.
Other names: short protein forms H439Y.
Identifiers: ClinVar variation 4978133 (VCV004978133.1).

ClinVar aggregate classification (germline): Uncertain significance (1 of 4 stars; one submission).

Conditions:
ABCC2-related disorder. Also called: ABCC2-related condition.

gnomAD v4.1: 7 of 1,614,006 alleles (0.00043%); highest among the groups gnomAD compares: African/African-American, 0.0013%; no homozygotes.

Submission:

PreventionGenetics, part of Exact Sciences
Classification: Uncertain significance for ABCC2-related condition. Last evaluated: 2025-05-19. Review status: criteria provided, single submitter. Criteria: ACMG Guidelines, 2015. Collection method: clinical testing. Allele origin: germline.
Comment: The ABCC2 c.1315C>T variant is predicted to result in the amino acid substitution p.His439Tyr. To our knowledge, this variant has not been reported in the literature. This variant is reported in 0.0018% of alleles in individuals of European (Non-Finnish) descent in gnomAD. At this time, the clinical significance of this variant is uncertain due to the absence of conclusive functional and genetic evidence.